The following is an entry in ClinVar:

ClinVar aggregate classification (germline): Uncertain significance (1 of 4 stars; one submission).

gnomAD v4.1: 7 of 1,613,874 alleles (0.00043%); highest among the groups gnomAD compares: South Asian, 0.0066%; no homozygotes.

Submission:

GeneDx
Classification: Uncertain significance. Last evaluated: 2025-12-15. Review status: criteria provided, single submitter. Criteria: GeneDx Variant Classification Process June 2021. Collection method: clinical testing. Allele origin: germline.
Comment: Not observed at significant frequency in large population cohorts (gnomAD); In silico analysis supports that this missense variant has a deleterious effect on protein structure/function; Has not been previously published as pathogenic or benign to our knowledge

NM_016059.5(PPIL1):c.277A>T (p.Thr93Ser)

Gene: PPIL1 (peptidylprolyl isomerase like 1; minus strand). Cytogenetic location: 6p21.2.
Variant type: single nucleotide variant.
Coding change: c.277A>T on transcript NM_016059.5 (MANE Select); coding-DNA position 277, A replaced by T.
Protein change: p.Thr93Ser; replaces threonine 93 with serine.
Molecular consequence: missense variant.
Genome position (GRCh38, 1-based): chr6:36,856,589, T>A on the plus strand (A>T on the coding strand, the complement: PPIL1 is on the minus strand). VCF-style: chr6-36856589-T-A. GRCh37 (hg19) VCF-style: chr6-36824365-T-A.
Other names: short protein forms T93S.
Identifiers: ClinVar variation 4532501 (VCV004532501.2).